The following is an entry in ClinVar:

ClinVar aggregate classification (germline): Uncertain significance (1 of 4 stars; one submission).

Conditions:
Nephronophthisis 15 (NPHP15). Identifiers: Orphanet 3156, MedGen C3541853, MONDO:0013917, OMIM 614845.

Submission:

Labcorp Genetics (formerly Invitae), Labcorp
Classification: Uncertain significance for Nephronophthisis 15. Last evaluated: 2022-04-16. Review status: criteria provided, single submitter. Criteria: Invitae Variant Classification Sherloc (09022015). Collection method: clinical testing. Allele origin: germline.
Comment: In summary, the available evidence is currently insufficient to determine the role of this variant in disease. Therefore, it has been classified as a Variant of Uncertain Significance. Algorithms developed to predict the effect of missense changes on protein structure and function are either unavailable or do not agree on the potential impact of this missense change (SIFT: "Not Available"; PolyPhen-2: "Benign"; Align-GVGD: "Not Available"). This variant has not been reported in the literature in individuals affected with CEP164-related conditions. Information on the frequency of this variant in the gnomAD database is not available, as this variant may be reported differently in the database. This sequence change replaces glycine, which is neutral and non-polar, with glutamic acid, which is acidic and polar, at codon 845 of the CEP164 protein (p.Gly845Glu).

NM_014956.5(CEP164):c.2534_2535delinsAA (p.Gly845Glu)

Gene: CEP164 (centrosomal protein 164; plus strand). Cytogenetic location: 11q23.3.
Variant type: Indel.
Coding change: c.2534_2535delinsAA on transcript NM_014956.5 (MANE Select); coding-DNA positions 2534 to 2535, GG replaced by AA.
Protein change: p.Gly845Glu; replaces glycine 845 with glutamic acid.
Molecular consequence: missense variant.
Genome position (GRCh38, 1-based): chr11:117,393,044-117,393,045, GG replaced by AA. VCF-style: chr11-117393044-GG-AA. GRCh37 (hg19) VCF-style: chr11-117263760-GG-AA.
Other names: c.2543_2544delinsAA, p.Gly848Glu (NM_001271933.2); short protein forms G848E, G845E.
Identifiers: ClinVar variation 2126945 (VCV002126945.4), dbSNP rs2541978157, ClinGen allele CA2580083540.